The following is an entry in ClinVar:

ClinVar aggregate classification (germline): Uncertain significance (1 of 4 stars; one submission).

gnomAD v4.1: 2 of 1,614,222 alleles (0.00012%); highest among the groups gnomAD compares: Admixed American, 0.0017%; no homozygotes.

Submission:

Dasa
Classification: Uncertain significance. Last evaluated: 2025-08-19. Review status: criteria provided, single submitter. Criteria: DASA Assertion Criteria. Collection method: clinical testing. Allele origin: germline.
Comment: NM_001326342.2(CELF2):c.808C>G (p.Leu270Val) is a missense variant that results in the substitution of leucine with valine. This variant is rare in population databases. The currently available literature and clinical evidence are not sufficient to establish a definitive association between this variant and the reported condition. Therefore, this variant is classified as a variant of uncertain significance.

NM_001326342.2(CELF2):c.808C>G (p.Leu270Val)

Gene: CELF2 (CUGBP Elav-like family member 2; plus strand). Cytogenetic location: 10p14.
Variant type: single nucleotide variant.
Coding change: c.808C>G on transcript NM_001326342.2 (MANE Select); coding-DNA position 808, C replaced by G.
Protein change: p.Leu270Val; replaces leucine 270 with valine.
Molecular consequence: missense variant.
Genome position (GRCh38, 1-based): chr10:11,275,087, C>G. VCF-style: chr10-11275087-C-G. GRCh37 (hg19) VCF-style: chr10-11317050-C-G.
Other names: c.808C>G, p.Leu270Val (NM_006561.4, NM_001394513.1, NM_001394518.1 and 4 more transcripts); c.787C>G, p.Leu263Val (NM_001394502.1, NM_001025077.3, NM_001326335.2 and 4 more transcripts); c.715C>G, p.Leu239Val (NM_001394517.1, NM_001083591.1, NM_001326317.2 and 15 more transcripts); c.454C>G, p.Leu152Val (NM_001326338.2, NM_001326339.2); c.103C>G, p.Leu35Val (NM_001326346.2, NM_001326333.2); c.739C>G, p.Leu247Val (NM_001326347.1); c.880C>G, p.Leu294Val (NM_001326325.2); c.823C>G, p.Leu275Val (NM_001326326.2, NM_001326327.2); short protein forms L152V, L239V, L247V, L263V, L270V, L275V, L294V, L35V.
Identifiers: ClinVar variation 4882552 (VCV004882552.2).